The following is an entry in ClinVar:

ClinVar aggregate classification (germline): Uncertain significance (1 of 4 stars; one submission).

Conditions:
Long QT syndrome (LQTS). Identifiers: MedGen C0023976, MeSH D008133, MONDO:0002442. Disease mechanism: loss of function. Inheritance: Various modes of inheritance.

Submission:

Labcorp Genetics (formerly Invitae), Labcorp
Classification: Uncertain significance for Long QT syndrome. Last evaluated: 2022-05-19. Review status: criteria provided, single submitter. Criteria: Invitae Variant Classification Sherloc (09022015). Collection method: clinical testing. Allele origin: germline.
Comment: This variant is a gross deletion of the genomic region encompassing exon(s) 46 of the AKAP9 gene. This deletion is out-of-frame, and is expected to create a premature translational stop signal and result in an absent or disrupted protein product. However, the current clinical and genetic evidence is not sufficient to establish whether loss-of-function variants in AKAP9 cause disease. This variant has not been reported in the literature in individuals affected with AKAP9-related conditions. In summary, the available evidence is currently insufficient to determine the role of this variant in disease. Therefore, it has been classified as a Variant of Uncertain Significance.

NC_000007.13:g.(?_91731888)_(91732160_?)del

Gene: AKAP9 (A-kinase anchoring protein 9; plus strand). Cytogenetic location: 7q21.2.
Variant type: Deletion.
Identifiers: ClinVar variation 2425411 (VCV002425411.4).